The following is an entry in ClinVar:

ClinVar aggregate classification (germline): Uncertain significance. Review status: criteria provided, multiple submitters, no conflicts (2 of 4 stars). 2 submissions from 2 submitters: Uncertain significance (2). Last evaluated 2025-08-28.

gnomAD v4.1: 3 of 1,511,954 alleles (0.0002%); highest among the groups gnomAD compares: African/African-American, 0.0014%; no homozygotes.

Submissions (2):

Ambry Genetics
Classification: Uncertain significance. Last evaluated: 2025-08-28. Review status: criteria provided, single submitter. Criteria: Ambry Variant Classification Scheme 2023. Collection method: clinical testing. Allele origin: germline.

GeneDx
Classification: Uncertain significance. Last evaluated: 2025-05-23. Review status: criteria provided, single submitter. Criteria: GeneDx Variant Classification Process June 2021. Collection method: clinical testing. Allele origin: germline. Affected: yes.
Comment: Not observed at significant frequency in large population cohorts (gnomAD); In silico analysis suggests that this missense variant does not alter protein structure/function; Has not been previously published as pathogenic or benign to our knowledge

NM_000718.4(CACNA1B):c.2472C>G (p.Asp824Glu)

Gene: CACNA1B (calcium voltage-gated channel subunit alpha1 B; plus strand). Cytogenetic location: 9q34.3.
Variant type: single nucleotide variant.
Coding change: c.2472C>G on transcript NM_000718.4 (MANE Select); coding-DNA position 2472, C replaced by G.
Protein change: p.Asp824Glu; replaces aspartic acid 824 with glutamic acid.
Molecular consequence: missense variant.
Genome position (GRCh38, 1-based): chr9:138,023,215, C>G. VCF-style: chr9-138023215-C-G. GRCh37 (hg19) VCF-style: chr9-140917667-C-G.
Other names: c.2472C>G, p.Asp824Glu (NM_001243812.2); short protein forms D824E.
Identifiers: ClinVar variation 4217733 (VCV004217733.2).